The following is an entry in ClinVar:

ClinVar aggregate classification (germline): Likely pathogenic (1 of 4 stars; one submission).

Submission:

GeneDx
Classification: Likely pathogenic. Last evaluated: 2016-01-07. Review status: criteria provided, single submitter. Criteria: GeneDx Variant Classification (06012015). Collection method: clinical testing. Allele origin: germline. Affected: yes.
Comment: The K113N variant in the NAA10 gene has not been reported previously as a pathogenic variant, nor as a benign variant, to our knowledge. The K113N variant was not observed in approximately 6500 individuals of European and African American ancestry in the NHLBI Exome Sequencing Project, indicating it is not a common benign variant in these populations. The K113N variant is a semi-conservative amino acid substitution, which may impact secondary protein structure as these residues differ in some properties. This substitution occurs at a position that is conserved across species. In silico analysis is inconsistent in its predictions as to whether or not the variant is damaging to the protein structure/function. A missense variant in a nearby residue (R116W) has been reported in the Human Gene Mutation Database in association with non-syndromic intellectual disability (Stenson et al., 2014), supporting the functional importance of this region of the protein. The K113N variant is a strong candidate for a pathogenic variant, which may be related to the seizures reported in this individual.

NM_003491.4(NAA10):c.339G>T (p.Lys113Asn)

Gene: NAA10 (N-alpha-acetyltransferase 10, NatA catalytic subunit; minus strand). Cytogenetic location: Xq28.
Variant type: single nucleotide variant.
Coding change: c.339G>T on transcript NM_003491.4 (MANE Select); coding-DNA position 339, G replaced by T.
Protein change: p.Lys113Asn; replaces lysine 113 with asparagine.
Molecular consequence: missense variant.
Genome position (GRCh38, 1-based): chrX:153,932,318, C>A on the plus strand (G>T on the coding strand, the complement: NAA10 is on the minus strand). VCF-style: chrX-153932318-C-A. GRCh37 (hg19) VCF-style: chrX-153197771-C-A.
Other names: c.339G>T, p.Lys113Asn (NM_001256119.2); c.321G>T, p.Lys107Asn (NM_001256120.2); short protein forms K113N, K107N.
Identifiers: ClinVar variation 372842 (VCV000372842.1), dbSNP rs1057518018, ClinGen allele CA16043233.